The following is an entry in ClinVar:

NM_001386298.1(CIC):c.3665C>T (p.Ser1222Phe)

Gene: CIC (capicua transcriptional repressor; plus strand). Cytogenetic location: 19q13.2.
Variant type: single nucleotide variant.
Coding change: c.3665C>T on transcript NM_001386298.1 (MANE Select); coding-DNA position 3665, C replaced by T.
Protein change: p.Ser1222Phe; replaces serine 1222 with phenylalanine.
Molecular consequence: missense variant.
Genome position (GRCh38, 1-based): chr19:42,288,894, C>T. VCF-style: chr19-42288894-C-T. GRCh37 (hg19) VCF-style: chr19-42793046-C-T.
Other names: c.3665C>T, p.Ser1222Phe (NM_001304815.2, NM_001379480.1, NM_001379482.1 and 6 more transcripts); c.938C>T, p.Ser313Phe (NM_001379484.1, NM_001379485.1, NM_001439189.1 and 3 more transcripts); short protein forms S1222F, S313F.
Identifiers: ClinVar variation 4886128 (VCV004886128.2).

ClinVar aggregate classification (germline): Uncertain significance (1 of 4 stars; one submission).

gnomAD v4.1: 1 of 1,613,992 alleles (0.000062%); highest among the groups gnomAD compares: East Asian, 0.0022%; no homozygotes.

Submission:

Dasa
Classification: Uncertain significance. Last evaluated: 2024-11-22. Review status: criteria provided, single submitter. Criteria: DASA Assertion Criteria. Collection method: clinical testing. Allele origin: germline.
Comment: NM_001386298.1(CIC):c.3665C>T (p.Ser1222Phe) is a missense variant that results in the substitution of serine with phenylalanine. This variant is rare in population databases. Computational prediction algorithms are consistent with a benign effect. The currently available literature and clinical evidence are not sufficient to establish a definitive association between this variant and the reported condition. Therefore, this variant is classified as a variant of uncertain significance.